The following is an entry in ClinVar:

NM_005228.5(EGFR):c.2107C>A (p.Leu703Ile)

Gene: EGFR (epidermal growth factor receptor; plus strand). Cytogenetic location: 7p11.2.
Variant type: single nucleotide variant.
Coding change: c.2107C>A on transcript NM_005228.5 (MANE Select); coding-DNA position 2107, C replaced by A.
Protein change: p.Leu703Ile; replaces leucine 703 with isoleucine.
Molecular consequence: missense variant.
Genome position (GRCh38, 1-based): chr7:55,173,966, C>A. VCF-style: chr7-55173966-C-A. GRCh37 (hg19) VCF-style: chr7-55241659-C-A.
Other names: c.1972C>A, p.Leu658Ile (NM_001346897.2, NM_001346899.2); c.2107C>A, p.Leu703Ile (NM_001346898.2); c.1948C>A, p.Leu650Ile (NM_001346900.2); c.1306C>A, p.Leu436Ile (NM_001346941.2); short protein forms L436I, L650I, L658I, L703I.
Identifiers: ClinVar variation 2002168 (VCV002002168.5), dbSNP rs1273890779, ClinGen allele CA367583532.

ClinVar aggregate classification (germline): Uncertain significance. Review status: criteria provided, multiple submitters, no conflicts (2 of 4 stars). 2 submissions from 2 submitters: Uncertain significance (2). Last evaluated 2026-01-13.

Conditions:
EGFR-related lung cancer (EGFR). Identifiers: MedGen CN130014.
Hereditary cancer-predisposing syndrome. Also called: Neoplastic Syndromes, Hereditary; Tumor predisposition; Hereditary Cancer Syndrome; Hereditary neoplastic syndrome. Identifiers: Orphanet 140162, MedGen C0027672, MeSH D009386, MONDO:0015356.

Submissions (2):

Ambry Genetics
Classification: Uncertain significance for Hereditary cancer-predisposing syndrome. Last evaluated: 2026-01-13. Review status: criteria provided, single submitter. Criteria: Ambry Variant Classification Scheme 2023. Collection method: clinical testing. Allele origin: germline.
Comment: The p.L703I variant (also known as c.2107C>A), located in coding exon 18 of the EGFR gene, results from a C to A substitution at nucleotide position 2107. The leucine at codon 703 is replaced by isoleucine, an amino acid with highly similar properties. This amino acid position is well conserved in available vertebrate species. In addition, this alteration is predicted to be tolerated by in silico analysis. Based on the available evidence, the clinical significance of this variant remains unclear.

Labcorp Genetics (formerly Invitae), Labcorp
Classification: Uncertain significance for EGFR-related lung cancer. Last evaluated: 2022-06-03. Review status: criteria provided, single submitter. Criteria: Invitae Variant Classification Sherloc (09022015). Collection method: clinical testing. Allele origin: germline.
Comment: In summary, the available evidence is currently insufficient to determine the role of this variant in disease. Therefore, it has been classified as a Variant of Uncertain Significance. Algorithms developed to predict the effect of missense changes on protein structure and function (SIFT, PolyPhen-2, Align-GVGD) all suggest that this variant is likely to be tolerated. This variant has not been reported in the literature in individuals affected with EGFR-related conditions. This variant is not present in population databases (gnomAD no frequency). This sequence change replaces leucine, which is neutral and non-polar, with isoleucine, which is neutral and non-polar, at codon 703 of the EGFR protein (p.Leu703Ile).